The following is an entry in ClinVar:

NM_001605.3(AARS1):c.145-17C>T

Gene: AARS1 (alanyl-tRNA synthetase 1; minus strand). Cytogenetic location: 16q22.1.
Variant type: single nucleotide variant.
Coding change: c.145-17C>T on transcript NM_001605.3 (MANE Select); 17 bases into the intron before coding-DNA position 145, C replaced by T.
Molecular consequence: intron variant.
Genome position (GRCh38, 1-based): chr16:70,277,171, G>A on the plus strand (C>T on the coding strand, the complement: AARS1 is on the minus strand). VCF-style: chr16-70277171-G-A. GRCh37 (hg19) VCF-style: chr16-70311074-G-A.
Identifiers: ClinVar variation 390157 (VCV000390157.8), dbSNP rs375832841, ClinGen allele CA8141194.
Genomic context (GRCh38, chr16:70,277,171, plus strand): 5'-ATGGGGTGAGATGGGTCAATTGTGTTCAGGAAAATGGGTTTAAACTAAAAGAGAAGGACA[G>A]CAGTTCAACTTTTAAAGGGTGCAAGTGATGTCAGGTGGCCACACACTAGCAGGAAGAGAC-3'

ClinVar aggregate classification (germline): Likely benign. Review status: criteria provided, multiple submitters, no conflicts (2 of 4 stars). 2 submissions from 2 submitters: Likely benign (2). Last evaluated 2025-09-08.

Conditions:
Charcot-Marie-Tooth disease type 2. Also called: Charcot-Marie-Tooth type 2. Identifiers: Orphanet 64746, MedGen C0270914, MONDO:0018993.

Allele frequency attached by ClinVar (database versions not stated): ExAC 0.00001; TOPMed 0.00005; ESP Exome Variant Server 0.00008; gnomAD 0.00004.
gnomAD v4.1: 24 of 1,613,366 alleles (0.0015%); highest among the groups gnomAD compares: African/African-American, 0.011%; no homozygotes.

Submissions (2):

Labcorp Genetics (formerly Invitae), Labcorp
Classification: Likely benign for Charcot-Marie-Tooth disease type 2. Last evaluated: 2025-09-08. Review status: criteria provided, single submitter. Criteria: Invitae Variant Classification Sherloc (09022015). Collection method: clinical testing. Allele origin: germline.

GeneDx
Classification: Likely benign. Last evaluated: 2016-10-20. Review status: criteria provided, single submitter. Criteria: GeneDx Variant Classification (06012015). Collection method: clinical testing. Allele origin: germline. Affected: yes.
Comment: This variant is considered likely benign or benign based on one or more of the following criteria: it is a conservative change, it occurs at a poorly conserved position in the protein, it is predicted to be benign by multiple in silico algorithms, and/or has population frequency not consistent with disease.